The following is an entry in ClinVar:

ClinVar aggregate classification (germline): Pathogenic (1 of 4 stars; one submission).

Conditions:
Familial cancer of breast. Also called: BREAST CANCER, FAMILIAL; Hereditary breast cancer; hereditary breast carcinoma. Identifiers: Orphanet 227535, MedGen C0346153, MONDO:0016419, OMIM 114480. Disease mechanism: loss of function.

Submission:

Labcorp Genetics (formerly Invitae), Labcorp
Classification: Pathogenic for Familial cancer of breast. Last evaluated: 2019-12-19. Review status: criteria provided, single submitter. Criteria: Invitae Variant Classification Sherloc (09022015). Collection method: clinical testing. Allele origin: germline.
Comment: For these reasons, this variant has been classified as Pathogenic. Loss-of-function variants in CHEK2 are known to be pathogenic (PMID: 21876083, 24713400). This variant has not been reported in the literature in individuals with CHEK2-related conditions. This variant is a gross deletion of the genomic region encompassing exons 2-5 of the CHEK2 gene, which includes the initiator codon. The 5' end of this event is unknown as it extends beyond the assayed region for this gene and therefore may encompass additional genes. The 3' boundary is likely confined to intron 5 of the CHEK2 gene. This is expected to result in an absent or disrupted protein product.

Literature cited by the submitters: PubMed 21876083; PubMed 24713400.

NC_000022.11:g.(?_28719385)_(28734725_?)del

Gene: CHEK2 (checkpoint kinase 2; minus strand). Cytogenetic location: 22q12.1.
Variant type: Deletion.
Identifiers: ClinVar variation 831673 (VCV000831673.7).